The following is an entry in ClinVar:

NM_001144952.2(SDK2):c.776C>T (p.Ser259Leu)

Gene: SDK2 (sidekick cell adhesion molecule 2; minus strand). Cytogenetic location: 17q25.1.
Variant type: single nucleotide variant.
Coding change: c.776C>T on transcript NM_001144952.2 (MANE Select); coding-DNA position 776, C replaced by T.
Protein change: p.Ser259Leu; replaces serine 259 with leucine.
Molecular consequence: missense variant.
Genome position (GRCh38, 1-based): chr17:73,438,104, G>A on the plus strand (C>T on the coding strand, the complement: SDK2 is on the minus strand). VCF-style: chr17-73438104-G-A. GRCh37 (hg19) VCF-style: chr17-71434243-G-A.
Other names: short protein forms S259L.
Identifiers: ClinVar variation 3058919 (VCV003058919.2), dbSNP rs146398103, ClinGen allele CA8744049.

ClinVar aggregate classification (germline): Benign (0 of 4 stars; one submission).

Conditions:
SDK2-related disorder. Also called: SDK2-related condition.

Allele frequency attached by ClinVar (database versions not stated): gnomAD exomes 0.00042; ExAC 0.00045; 1000 Genomes Project 30x 0.00328; 1000 Genomes Project 0.00359.
gnomAD v4.1: 758 of 1,551,658 alleles (0.049%); highest among the groups gnomAD compares: East Asian, 1.6%; 10 homozygotes.

Submission:

PreventionGenetics, part of Exact Sciences
Classification: Benign for SDK2-related condition. Last evaluated: 2019-04-16. Review status: no assertion criteria provided. Collection method: clinical testing. Allele origin: germline.
Comment: This variant is classified as benign based on ACMG/AMP sequence variant interpretation guidelines (Richards et al. 2015 PMID: 25741868, with internal and published modifications).